The following is an entry in ClinVar:

ClinVar aggregate classification (germline): Conflicting classifications of pathogenicity. Review status: criteria provided, conflicting classifications (1 of 4 stars). 2 submissions from 2 submitters: Uncertain significance (1); Benign (1). Last evaluated 2025-12-15.

Conditions:
Hereditary cancer-predisposing syndrome. Also called: Tumor predisposition; Hereditary neoplastic syndrome; Neoplastic Syndromes, Hereditary; Hereditary Cancer Syndrome. Identifiers: Orphanet 140162, MedGen C0027672, MeSH D009386, MONDO:0015356.
BAP1-related tumor predisposition syndrome (TPDS1). Also called: Tumor susceptibility linked to germline BAP1 mutations; TUMOR PREDISPOSITION SYNDROME 1; COMMON Syndrome; BAP1 tumor predisposition syndrome. Identifiers: Orphanet 289539, MedGen C3280492, MONDO:0013692, OMIM 614327.

Allele frequency attached by ClinVar (database versions not stated): gnomAD exomes below 0.00001; TOPMed 0.00001; gnomAD 0.00002.
gnomAD v4.1: 7 of 1,613,712 alleles (0.00043%); highest among the groups gnomAD compares: African/African-American, 0.0053%; no homozygotes.

Submissions (2):

Labcorp Genetics (formerly Invitae), Labcorp
Classification: Uncertain significance for BAP1-related tumor predisposition syndrome. Last evaluated: 2025-12-15. Review status: criteria provided, single submitter. Criteria: Invitae Variant Classification Sherloc (09022015). Collection method: clinical testing. Allele origin: germline.
Comment: This sequence change replaces asparagine, which is neutral and polar, with aspartic acid, which is acidic and polar, at codon 299 of the BAP1 protein (p.Asn299Asp). This variant is present in population databases (no rsID available, gnomAD 0.02%). This variant has not been reported in the literature in individuals affected with BAP1-related conditions. ClinVar contains an entry for this variant (Variation ID: 950323). An algorithm developed to predict the effect of missense changes on protein structure and function (PolyPhen-2) suggests that this variant is likely to be tolerated. In summary, the available evidence is currently insufficient to determine the role of this variant in disease. Therefore, it has been classified as a Variant of Uncertain Significance.

Ambry Genetics
Classification: Benign for Hereditary cancer-predisposing syndrome. Last evaluated: 2025-03-26. Review status: criteria provided, single submitter. Criteria: Ambry Variant Classification Scheme 2023. Collection method: clinical testing. Allele origin: germline.

NM_004656.4(BAP1):c.895A>G (p.Asn299Asp)

Gene: BAP1 (BRCA1 associated deubiquitinase 1; minus strand). Cytogenetic location: 3p21.1.
Variant type: single nucleotide variant.
Coding change: c.895A>G on transcript NM_004656.4 (MANE Select); coding-DNA position 895, A replaced by G.
Protein change: p.Asn299Asp; replaces asparagine 299 with aspartic acid.
Molecular consequence: missense variant.
Genome position (GRCh38, 1-based): chr3:52,405,801, T>C on the plus strand (A>G on the coding strand, the complement: BAP1 is on the minus strand). VCF-style: chr3-52405801-T-C. GRCh37 (hg19) VCF-style: chr3-52439817-T-C.
Other names: short protein forms N299D.
Identifiers: ClinVar variation 950323 (VCV000950323.10), dbSNP rs1411545493, ClinGen allele CA353106616.